The following is an entry in ClinVar:

NM_001276270.2(MBD4):c.1373T>C (p.Ile458Thr)

Gene: MBD4 (methyl-CpG binding domain 4, DNA glycosylase; minus strand). Cytogenetic location: 3q21.3.
Variant type: single nucleotide variant.
Coding change: c.1373T>C on transcript NM_001276270.2 (MANE Select); coding-DNA position 1373, T replaced by C.
Protein change: p.Ile458Thr; replaces isoleucine 458 with threonine.
Molecular consequence: missense variant.
Genome position (GRCh38, 1-based): chr3:129,433,870, A>G on the plus strand (T>C on the coding strand, the complement: MBD4 is on the minus strand). VCF-style: chr3-129433870-A-G. GRCh37 (hg19) VCF-style: chr3-129152713-A-G.
Other names: c.1391T>C, p.Ile464Thr (NM_001276271.2, NM_001276272.2, NM_003925.3); c.437T>C, p.Ile146Thr (NM_001276273.2); short protein forms I146T, I458T, I464T.
Identifiers: ClinVar variation 3660738 (VCV003660738.2).

ClinVar aggregate classification (germline): Uncertain significance (1 of 4 stars; one submission).

Submission:

Labcorp Genetics (formerly Invitae), Labcorp
Classification: Uncertain significance. Last evaluated: 2024-07-28. Review status: criteria provided, single submitter. Criteria: Invitae Variant Classification Sherloc (09022015). Collection method: clinical testing. Allele origin: germline.
Comment: This sequence change replaces isoleucine, which is neutral and non-polar, with threonine, which is neutral and polar, at codon 464 of the MBD4 protein (p.Ile464Thr). This variant is not present in population databases (gnomAD no frequency). This variant has not been reported in the literature in individuals affected with MBD4-related conditions. An algorithm developed to predict the effect of missense changes on protein structure and function (PolyPhen-2) suggests that this variant is likely to be disruptive. In summary, the available evidence is currently insufficient to determine the role of this variant in disease. Therefore, it has been classified as a Variant of Uncertain Significance.